The following is an entry in ClinVar:

NM_022089.4(ATP13A2):c.809C>G (p.Ser270Cys)

Gene: ATP13A2 (ATPase cation transporting 13A2; minus strand). Cytogenetic location: 1p36.13.
Variant type: single nucleotide variant.
Coding change: c.809C>G on transcript NM_022089.4 (MANE Select); coding-DNA position 809, C replaced by G.
Protein change: p.Ser270Cys; replaces serine 270 with cysteine.
Molecular consequence: missense variant.
Genome position (GRCh38, 1-based): chr1:17,000,431, G>C on the plus strand (C>G on the coding strand, the complement: ATP13A2 is on the minus strand). VCF-style: chr1-17000431-G-C. GRCh37 (hg19) VCF-style: chr1-17326926-G-C.
Other names: c.794C>G, p.Ser265Cys (NM_001141973.3, NM_001141974.3); short protein forms S270C, S265C.
Identifiers: ClinVar variation 589814 (VCV000589814.6), dbSNP rs1557703957, ClinGen allele CA338258025.

ClinVar aggregate classification (germline): Uncertain significance. Review status: criteria provided, multiple submitters, no conflicts (2 of 4 stars). 2 submissions from 2 submitters: Uncertain significance (2). Last evaluated 2021-09-20.

Conditions:
Inborn genetic diseases. Identifiers: MedGen C0950123, MeSH D030342.

Allele frequency attached by ClinVar (database versions not stated): gnomAD exomes below 0.00001.
gnomAD v4.1: 1 of 1,614,044 alleles (0.000062%); highest among the groups gnomAD compares: Middle Eastern, 0.016%; no homozygotes.

Submissions (2):

Blueprint Genetics
Classification: Uncertain significance. Last evaluated: 2021-09-20. Review status: criteria provided, single submitter. Criteria: ACMG Guidelines, 2015. Collection method: clinical testing. Allele origin: germline.

Ambry Genetics
Classification: Uncertain significance for Inborn genetic diseases. Last evaluated: 2016-04-15. Review status: criteria provided, single submitter. Criteria: Ambry Variant Classification Scheme 2023. Collection method: clinical testing. Allele origin: germline.
Comment: The p.S270C variant (also known as c.809C>G), located in coding exon 9 of the ATP13A2 gene, results from a C to G substitution at nucleotide position 809. The serine at codon 270 is replaced by cysteine, an amino acid with dissimilar properties. This variant was not reported in population based cohorts in the following databases: Database of Single Nucleotide Polymorphisms (dbSNP), NHLBI Exome Sequencing Project (ESP), 1000 Genomes Project and ExAC. In the ESP, this variant was not observed in 6503 samples (13006 alleles) with coverage at this position. This amino acid position is highly conserved in available vertebrate species. In addition, this alteration is predicted to be deleterious by in silico analysis. Since supporting evidence is limited at this time, the clinical significance of this alteration remains unclear.